The following is an entry in ClinVar:

ClinVar aggregate classification (germline): Uncertain significance. Review status: criteria provided, multiple submitters, no conflicts (2 of 4 stars). 2 submissions from 2 submitters: Uncertain significance (2). Last evaluated 2024-09-15.

Conditions:
Inborn genetic diseases. Identifiers: MedGen C0950123, MeSH D030342.
Hereditary sensory and autonomic neuropathy type 6. Also called: HSAN VI; Neuropathy, hereditary sensory and autonomic, type VI. Identifiers: Orphanet 314381, MedGen C3539003, MONDO:0013839, OMIM 614653.
Epidermolysis bullosa simplex 3, localized or generalized intermediate, with BP230 deficiency (EBS3). Also called: Epidermolysis bullosa simplex, autosomal recessive 2; Epidermolysis bullosa simplex due to BP230 deficiency. Identifiers: Orphanet 412181, MedGen C3809470, MONDO:0014180, OMIM 615425.

Submissions (2):

Labcorp Genetics (formerly Invitae), Labcorp
Classification: Uncertain significance for Epidermolysis bullosa simplex 3, localized or generalized intermediate, with BP230 deficiency; Hereditary sensory and autonomic neuropathy type 6. Last evaluated: 2024-09-15. Review status: criteria provided, single submitter. Criteria: Invitae Variant Classification Sherloc (09022015). Collection method: clinical testing. Allele origin: germline.
Comment: The DST gene has multiple clinically relevant transcripts. This variant occurs in alternate transcript NM_015548.4 and corresponds to NM_001723.5:c.*114338G>C in the primary transcript. This sequence change replaces glutamic acid, which is acidic and polar, with aspartic acid, which is acidic and polar, at codon 3976 of the DST protein (p.Glu3976Asp). This variant is not present in population databases (gnomAD no frequency). This variant has not been reported in the literature in individuals affected with DST-related conditions. Experimental studies and prediction algorithms are not available or were not evaluated, and the functional significance of this variant is currently unknown. In summary, the available evidence is currently insufficient to determine the role of this variant in disease. Therefore, it has been classified as a Variant of Uncertain Significance.

Ambry Genetics
Classification: Uncertain significance for Inborn genetic diseases. Last evaluated: 2023-06-07. Review status: criteria provided, single submitter. Criteria: Ambry Variant Classification Scheme 2023. Collection method: clinical testing. Allele origin: germline.

NM_001374736.1(DST):c.19797G>C (p.Glu6599Asp)

Gene: DST (dystonin; minus strand). Cytogenetic location: 6p12.1.
Variant type: single nucleotide variant.
Coding change: c.19797G>C on transcript NM_001374736.1 (MANE Select); coding-DNA position 19797, G replaced by C.
Protein change: p.Glu6599Asp; replaces glutamic acid 6599 with aspartic acid.
Molecular consequence: missense variant.
Genome position (GRCh38, 1-based): chr6:56,501,179, C>G on the plus strand (G>C on the coding strand, the complement: DST is on the minus strand). VCF-style: chr6-56501179-C-G. GRCh37 (hg19) VCF-style: chr6-56365977-C-G.
Other names: c.13440G>C, p.Glu4480Asp (NM_001144769.5); c.13026G>C, p.Glu4342Asp (NM_001144770.2); c.19797G>C, p.Glu6599Asp (NM_001374722.1); c.18837G>C, p.Glu6279Asp (NM_001374729.1); c.12579G>C, p.Glu4193Asp (NM_001374730.1); c.19824G>C, p.Glu6608Asp (NM_001374734.1); c.12906G>C, p.Glu4302Asp (NM_001386100.1, NM_183380.4); c.11928G>C, p.Glu3976Asp (NM_015548.5); short protein forms E6608D, E3976D, E4342D, E4193D, E4302D, E4480D, E6279D, E6599D.
Identifiers: ClinVar variation 2551617 (VCV002551617.4), dbSNP rs2534145566, ClinGen allele CA364520215.